The following is an entry in ClinVar:

ClinVar aggregate classification (germline): Uncertain significance. Review status: criteria provided, multiple submitters, no conflicts (2 of 4 stars). 2 submissions from 2 submitters: Uncertain significance (2). Last evaluated 2025-04-18.

Conditions:
Neuropathy, hereditary sensory, type 1F. Also called: HSN IF; Hereditary sensory neuropathy type IF. Identifiers: Orphanet 36386, MedGen C3810194, MONDO:0014286, OMIM 615632.
Inborn genetic diseases. Identifiers: MedGen C0950123, MeSH D030342.

Allele frequency attached by ClinVar (database versions not stated): gnomAD 0.00001; gnomAD exomes 0.00002; TOPMed 0.00006.
gnomAD v4.1: 20 of 1,613,920 alleles (0.0012%); highest among the groups gnomAD compares: Admixed American, 0.0033%; no homozygotes.

Submissions (2):

Labcorp Genetics (formerly Invitae), Labcorp
Classification: Uncertain significance for Neuropathy, hereditary sensory, type 1F. Last evaluated: 2025-04-18. Review status: criteria provided, single submitter. Criteria: Invitae Variant Classification Sherloc (09022015). Collection method: clinical testing. Allele origin: germline.
Comment: This sequence change replaces serine, which is neutral and polar, with asparagine, which is neutral and polar, at codon 21 of the ATL3 protein (p.Ser21Asn). This variant is not present in population databases (gnomAD no frequency). This variant has not been reported in the literature in individuals affected with ATL3-related conditions. ClinVar contains an entry for this variant (Variation ID: 2715707). An algorithm developed to predict the effect of missense changes on protein structure and function outputs the following: PolyPhen-2: "Benign". The asparagine amino acid residue is found in multiple mammalian species, which suggests that this missense change does not adversely affect protein function. In summary, the available evidence is currently insufficient to determine the role of this variant in disease. Therefore, it has been classified as a Variant of Uncertain Significance.

Ambry Genetics
Classification: Uncertain significance for Inborn genetic diseases. Last evaluated: 2024-01-02. Review status: criteria provided, single submitter. Criteria: Ambry Variant Classification Scheme 2023. Collection method: clinical testing. Allele origin: germline.

NM_015459.5(ATL3):c.62G>A (p.Ser21Asn)

Gene: ATL3 (atlastin GTPase 3; minus strand). Cytogenetic location: 11q13.1.
Variant type: single nucleotide variant.
Coding change: c.62G>A on transcript NM_015459.5 (MANE Select); coding-DNA position 62, G replaced by A.
Protein change: p.Ser21Asn; replaces serine 21 with asparagine.
Molecular consequence: missense variant.
Genome position (GRCh38, 1-based): chr11:63,659,237, C>T on the plus strand (G>A on the coding strand, the complement: ATL3 is on the minus strand). VCF-style: chr11-63659237-C-T. GRCh37 (hg19) VCF-style: chr11-63426709-C-T.
Other names: c.8G>A, p.Ser3Asn (NM_001290048.2); c.62G>A (NM_015459.3); short protein forms S21N, S3N.
Identifiers: ClinVar variation 2715707 (VCV002715707.4), dbSNP rs972789399, ClinGen allele CA223749501.